The following is an entry in ClinVar:

NM_017763.6(RNF43):c.832G>A (p.Glu278Lys)

Gene: RNF43 (ring finger protein 43; minus strand). Cytogenetic location: 17q22.
Variant type: single nucleotide variant.
Coding change: c.832G>A on transcript NM_017763.6 (MANE Select); coding-DNA position 832, G replaced by A.
Protein change: p.Glu278Lys; replaces glutamic acid 278 with lysine.
Molecular consequence: missense variant.
Genome position (GRCh38, 1-based): chr17:58,360,800, C>T on the plus strand (G>A on the coding strand, the complement: RNF43 is on the minus strand). VCF-style: chr17-58360800-C-T. GRCh37 (hg19) VCF-style: chr17-56438161-C-T.
Other names: c.832G>A, p.Glu278Lys (NM_001305544.3, NM_001438820.1, NM_001438821.1 and 1 more transcripts); c.451G>A, p.Glu151Lys (NM_001305545.2, NM_001437987.1); short protein forms E151K, E278K.
Identifiers: ClinVar variation 4155719 (VCV004155719.1).

ClinVar aggregate classification (germline): Uncertain significance (1 of 4 stars; one submission).

Submission:

Ambry Genetics
Classification: Uncertain significance. Last evaluated: 2025-06-16. Review status: criteria provided, single submitter. Criteria: Ambry Variant Classification Scheme 2023. Collection method: clinical testing. Allele origin: germline.
Comment: The p.E278K variant (also known as c.832G>A), located in coding exon 6 of the RNF43 gene, results from a G to A substitution at nucleotide position 832. The glutamic acid at codon 278 is replaced by lysine, an amino acid with similar properties. This amino acid position is conserved. In addition, the in silico prediction for this alteration is inconclusive. Based on the available evidence, the clinical significance of this variant remains unclear.